The following is an entry in ClinVar:

ClinVar aggregate classification (germline): Pathogenic/Likely pathogenic. Review status: criteria provided, multiple submitters, no conflicts (2 of 4 stars). 5 submissions from 5 submitters: Pathogenic (1); Likely pathogenic (4). Last evaluated 2026-09-14.

Conditions:
Joubert syndrome. Also called: JOUBERT-BOLTSHAUSER SYNDROME; Familial aplasia of the vermis. Identifiers: Orphanet 475, MedGen C5979921, MONDO:0018772.
INPP5E-related disorder. Also called: INPP5E-related condition.
Joubert syndrome and related disorders. Identifiers: Orphanet 140874, MedGen C5679612, MONDO:0015369.

Allele frequency attached by ClinVar (database versions not stated): gnomAD exomes 0.00001 and 0.00003; gnomAD 0.00002; TOPMed 0.00002.
gnomAD v4.1: 12 of 1,552,254 alleles (0.00077%); highest among the groups gnomAD compares: African/African-American, 0.0027%; no homozygotes.

Submissions (5):

PreventionGenetics, part of Exact Sciences
Classification: Likely pathogenic for INPP5E-related condition. Last evaluated: 2026-09-14. Review status: criteria provided, single submitter. Criteria: ACMG Guidelines, 2015. Collection method: clinical testing. Allele origin: germline.
Comment: The INPP5E c.1753C>T variant is predicted to result in the amino acid substitution p.Arg585Cys. This variant has been reported in the compound heterozygous state in siblings with Joubert syndrome (Travaglini et al. 2013. PubMed ID: 23386033; Toma et al. 2018. PubMed ID: 29987673) and in an individual with retinitis pigmentosa (Table S1, Stone et al. 2017. PubMed ID: 28559085). An alternate substitution of this same amino acid residue (p.Arg585His) has also been reported in individuals with retinal disease (see for example: Table S5, Bachmann-Gagescu et al. 2015. PubMed ID: 26092869). This missense variant is predicted to be damaging to the encoded protein (REVEL score >0.773, Ioannidis et al. 2016. PubMed ID: 27666373). This variant is present in 0.011% of alleles in individuals of African descent in gnomAD. This variant is interpreted as likely pathogenic.

Mayo Clinic Laboratories, Mayo Clinic
Classification: Likely pathogenic. Last evaluated: 2025-07-15. Review status: criteria provided, single submitter. Criteria: ACMG Guidelines, 2015. Collection method: clinical testing. Allele origin: germline. Observed: 1 variant allele.
Comment: PP3_moderate, PM2_supporting, PM3, PM5, PS4_supporting

Labcorp Genetics (formerly Invitae), Labcorp
Classification: Pathogenic for Joubert syndrome. Last evaluated: 2023-06-28. Review status: criteria provided, single submitter. Criteria: Invitae Variant Classification Sherloc (09022015). Collection method: clinical testing. Allele origin: germline.
Comment: For these reasons, this variant has been classified as Pathogenic. This variant disrupts the p.Arg585 amino acid residue in INPP5E. Other variant(s) that disrupt this residue have been determined to be pathogenic (PMID: 26092869). This suggests that this residue is clinically significant, and that variants that disrupt this residue are likely to be disease-causing. Advanced modeling of protein sequence and biophysical properties (such as structural, functional, and spatial information, amino acid conservation, physicochemical variation, residue mobility, and thermodynamic stability) performed at Invitae indicates that this missense variant is expected to disrupt INPP5E protein function. ClinVar contains an entry for this variant (Variation ID: 1683370). This missense change has been observed in individual(s) with clinical features of INPP5E-related conditions (PMID: 23386033, 28559085). In at least one individual the data is consistent with being in trans (on the opposite chromosome) from a pathogenic variant. This sequence change replaces arginine, which is basic and polar, with cysteine, which is neutral and slightly polar, at codon 585 of the INPP5E protein (p.Arg585Cys). The frequency data for this variant in the population databases is considered unreliable, as metrics indicate poor data quality at this position in the gnomAD database.

Blueprint Genetics
Classification: Likely pathogenic for INPP5E-related disorders. Last evaluated: 2022-10-17. Review status: criteria provided, single submitter. Criteria: ACMG Guidelines, 2015. Collection method: clinical testing. Allele origin: germline. Affected: yes. Observed: 2 variant alleles.

Women's Health and Genetics/Laboratory Corporation of America, LabCorp
Classification: Likely pathogenic for Joubert syndrome and related disorders. Last evaluated: 2022-04-20. Review status: criteria provided, single submitter. Criteria: LabCorp Variant Classification Summary - May 2015. Collection method: clinical testing. Allele origin: germline.
Comment: Variant summary: INPP5E c.1753C>T (p.Arg585Cys) results in a non-conservative amino acid change located in the Inositol polyphosphate-related phosphatase domain of the encoded protein sequence. Five of five in-silico tools predict a damaging effect of the variant on protein function. The variant allele was found at a frequency of 2.5e-05 in 157546 control chromosomes. c.1753C>T has been reported in the literature in the compound heterozygous state in two sisters affected with Joubert Syndrome And Related Disorders (Travaglini_2013, Toma_2018). Additionally, the variant has been reported in patients with inherited retinal degenerations including retinitis pigmentosa (Stone_2017) and rod cone degeneration (Sangermano_2021). These data indicate that the variant is very likely to be associated with disease. Additionally, a different variant at the same codon has been reported in association with Joubert Syndrome (R585H). To our knowledge, no experimental evidence demonstrating an impact on protein function has been reported. No clinical diagnostic laboratories have submitted clinical-significance assessments for this variant to ClinVar after 2014. Based on the evidence outlined above, the variant was classified as likely pathogenic.

Literature cited by the submitters: PubMed 23386033 (cited by 3 submitters); PubMed 26092869 (cited by Mayo Clinic Laboratories, Mayo Clinic and Labcorp Genetics (formerly Invitae), Labcorp); PubMed 28559085 (cited by 3 submitters); PubMed 29987673 (cited by Mayo Clinic Laboratories, Mayo Clinic and Women's Health and Genetics/Laboratory Corporation of America, LabCorp); PubMed 34188062 (cited by Mayo Clinic Laboratories, Mayo Clinic and Women's Health and Genetics/Laboratory Corporation of America, LabCorp); PubMed 36547473 (cited by Mayo Clinic Laboratories, Mayo Clinic); PubMed 39781470 (cited by Mayo Clinic Laboratories, Mayo Clinic).

NM_019892.6(INPP5E):c.1753C>T (p.Arg585Cys)

Gene: INPP5E (inositol polyphosphate-5-phosphatase E; minus strand). Cytogenetic location: 9q34.3.
Variant type: single nucleotide variant.
Coding change: c.1753C>T on transcript NM_019892.6 (MANE Select); coding-DNA position 1753, C replaced by T.
Protein change: p.Arg585Cys; replaces arginine 585 with cysteine.
Molecular consequence: missense variant.
Genome position (GRCh38, 1-based): chr9:136,430,326, G>A on the plus strand (C>T on the coding strand, the complement: INPP5E is on the minus strand). VCF-style: chr9-136430326-G-A. GRCh37 (hg19) VCF-style: chr9-139324778-G-A.
Other names: p.Arg585Cys; c.1750C>T, p.Arg584Cys (NM_001318502.2); short protein forms R584C, R585C.
Identifiers: ClinVar variation 1683370 (VCV001683370.10), dbSNP rs763992407, ClinGen allele CA5336669.